The following is an entry in ClinVar:

ClinVar aggregate classification (germline): Likely benign (1 of 4 stars; one submission).

Allele frequency attached by ClinVar (database versions not stated): ESP Exome Variant Server 0.00008.

Submission:

CeGaT Center for Human Genetics Tuebingen
Classification: Likely benign. Last evaluated: 2023-03-01. Review status: criteria provided, single submitter. Criteria: CeGaT Center For Human Genetics Tuebingen Variant Classification Criteria Version 2. Collection method: clinical testing. Allele origin: germline. Affected: yes. Observed: 1 variant allele.
Comment: CLDN9: BP4, BP7

NM_020982.4(CLDN9):c.177G>A (p.Thr59=)

Gene: CLDN9 (claudin 9; plus strand). Cytogenetic location: 16p13.3.
Variant type: single nucleotide variant.
Coding change: c.177G>A on transcript NM_020982.4 (MANE Select); coding-DNA position 177, G replaced by A.
Protein change: p.Thr59=; no amino-acid change (threonine 59 retained).
Molecular consequence: synonymous variant.
Genome position (GRCh38, 1-based): chr16:3,013,539, G>A. VCF-style: chr16-3013539-G-A. GRCh37 (hg19) VCF-style: chr16-3063540-G-A.
Identifiers: ClinVar variation 2646094 (VCV002646094.24), dbSNP rs372231955, ClinGen allele CA7853991.